The following is an entry in ClinVar:

ClinVar aggregate classification (germline): Uncertain significance (1 of 4 stars; one submission).

Allele frequency attached by ClinVar (database versions not stated): gnomAD exomes below 0.00001; ExAC 0.00001.
gnomAD v4.1: 1 of 1,614,248 alleles (0.000062%); highest among the groups gnomAD compares: South Asian, 0.0011%; no homozygotes.

Submission:

Labcorp Genetics (formerly Invitae), Labcorp
Classification: Uncertain significance. Last evaluated: 2022-03-04. Review status: criteria provided, single submitter. Criteria: Invitae Variant Classification Sherloc (09022015). Collection method: clinical testing. Allele origin: germline.
Comment: In summary, the available evidence is currently insufficient to determine the role of this variant in disease. Therefore, it has been classified as a Variant of Uncertain Significance. Algorithms developed to predict the effect of missense changes on protein structure and function are either unavailable or do not agree on the potential impact of this missense change (SIFT: "Deleterious"; PolyPhen-2: "Possibly Damaging"; Align-GVGD: "Class C15"). This variant has not been reported in the literature in individuals affected with PCARE-related conditions. This variant is present in population databases (rs751860940, gnomAD 0.003%). This sequence change replaces glutamine, which is neutral and polar, with histidine, which is basic and polar, at codon 680 of the PCARE protein (p.Gln680His).

NM_001029883.3(PCARE):c.2040G>T (p.Gln680His)

Gene: PCARE (photoreceptor cilium actin regulator; minus strand). Cytogenetic location: 2p23.2.
Variant type: single nucleotide variant.
Coding change: c.2040G>T on transcript NM_001029883.3 (MANE Select); coding-DNA position 2040, G replaced by T.
Protein change: p.Gln680His; replaces glutamine 680 with histidine.
Molecular consequence: missense variant.
Genome position (GRCh38, 1-based): chr2:29,072,222, C>A on the plus strand (G>T on the coding strand, the complement: PCARE is on the minus strand). VCF-style: chr2-29072222-C-A. GRCh37 (hg19) VCF-style: chr2-29295088-C-A.
Other names: short protein forms Q680H.
Identifiers: ClinVar variation 2106333 (VCV002106333.4), dbSNP rs751860940, ClinGen allele CA1592291.